The following is an entry in ClinVar:

ClinVar aggregate classification (germline): Uncertain significance (1 of 4 stars; one submission).

gnomAD v4.1: 9 of 1,613,382 alleles (0.00056%); highest among the groups gnomAD compares: Middle Eastern, 0.017%; no homozygotes.

Submission:

Labcorp Genetics (formerly Invitae), Labcorp
Classification: Uncertain significance. Last evaluated: 2024-03-27. Review status: criteria provided, single submitter. Criteria: Invitae Variant Classification Sherloc (09022015). Collection method: clinical testing. Allele origin: germline.
Comment: This sequence change replaces valine, which is neutral and non-polar, with leucine, which is neutral and non-polar, at codon 95 of the LIPC protein (p.Val95Leu). This variant is present in population databases (rs6078, gnomAD 0.007%). This variant has not been reported in the literature in individuals affected with LIPC-related conditions. Advanced modeling of protein sequence and biophysical properties (such as structural, functional, and spatial information, amino acid conservation, physicochemical variation, residue mobility, and thermodynamic stability) performed at Invitae indicates that this missense variant is not expected to disrupt LIPC protein function with a negative predictive value of 80%. In summary, the available evidence is currently insufficient to determine the role of this variant in disease. Therefore, it has been classified as a Variant of Uncertain Significance.

NM_000236.3(LIPC):c.283G>T (p.Val95Leu)

Gene: LIPC (lipase C, hepatic type; plus strand). Cytogenetic location: 15q21.3.
Variant type: single nucleotide variant.
Coding change: c.283G>T on transcript NM_000236.3 (MANE Select); coding-DNA position 283, G replaced by T.
Protein change: p.Val95Leu; replaces valine 95 with leucine.
Molecular consequence: missense variant.
Genome position (GRCh38, 1-based): chr15:58,541,794, G>T. VCF-style: chr15-58541794-G-T. GRCh37 (hg19) VCF-style: chr15-58833993-G-T.
Other names: short protein forms V95L.
Identifiers: ClinVar variation 2895095 (VCV002895095.3), dbSNP rs6078, ClinGen allele CA7584799.